The following is an entry in ClinVar:

NM_001957.4(EDNRA):c.179C>A (p.Pro60His)

Gene: EDNRA (endothelin receptor type A; plus strand). Cytogenetic location: 4q31.22.
Variant type: single nucleotide variant.
Coding change: c.179C>A on transcript NM_001957.4 (MANE Select); coding-DNA position 179, C replaced by A.
Protein change: p.Pro60His; replaces proline 60 with histidine.
Molecular consequence: missense variant. On other transcripts: non-coding transcript variant (1).
Genome position (GRCh38, 1-based): chr4:147,485,860, C>A. VCF-style: chr4-147485860-C-A. GRCh37 (hg19) VCF-style: chr4-148407012-C-A.
Other names: c.179C>A, p.Pro60His (NM_001166055.2, NM_001354797.2); short protein forms P60H.
Identifiers: ClinVar variation 1930339 (VCV001930339.5), dbSNP rs752630183, ClinGen allele CA3097837.

ClinVar aggregate classification (germline): Uncertain significance (1 of 4 stars; one submission).

Allele frequency attached by ClinVar (database versions not stated): ExAC 0.00001; gnomAD 0.00001; TOPMed 0.00001.
gnomAD v4.1: 3 of 1,614,100 alleles (0.00019%); highest among the groups gnomAD compares: Admixed American, 0.005%; no homozygotes.

Submission:

Labcorp Genetics (formerly Invitae), Labcorp
Classification: Uncertain significance. Last evaluated: 2022-09-26. Review status: criteria provided, single submitter. Criteria: Invitae Variant Classification Sherloc (09022015). Collection method: clinical testing. Allele origin: germline.
Comment: This variant is present in population databases (rs752630183, gnomAD 0.006%). This sequence change replaces proline, which is neutral and non-polar, with histidine, which is basic and polar, at codon 60 of the EDNRA protein (p.Pro60His). This variant has not been reported in the literature in individuals affected with EDNRA-related conditions. Algorithms developed to predict the effect of missense changes on protein structure and function are either unavailable or do not agree on the potential impact of this missense change (SIFT: "Deleterious"; PolyPhen-2: "Benign"; Align-GVGD: "Class C0"). In summary, the available evidence is currently insufficient to determine the role of this variant in disease. Therefore, it has been classified as a Variant of Uncertain Significance.